The following is an entry in ClinVar:

ClinVar aggregate classification (germline): Likely benign (1 of 4 stars; one submission).

Conditions:
LEP-related disorder. Also called: LEP-related condition.

gnomAD v4.1: 2 of 1,613,974 alleles (0.00012%); highest among the groups gnomAD compares: Admixed American, 0.0017%; no homozygotes.

Submission:

PreventionGenetics, part of Exact Sciences
Classification: Likely benign for LEP-related condition. Last evaluated: 2024-10-23. Review status: criteria provided, single submitter. Criteria: ACMG Guidelines, 2015. Collection method: clinical testing. Allele origin: germline.
Comment: This variant is classified as likely benign based on ACMG/AMP sequence variant interpretation guidelines (Richards et al. 2015 PMID: 25741868, with internal and published modifications).

NM_000230.3(LEP):c.402C>T (p.Val134=)

Gene: LEP (leptin; plus strand). Cytogenetic location: 7q32.1.
Variant type: single nucleotide variant.
Coding change: c.402C>T on transcript NM_000230.3 (MANE Select); coding-DNA position 402, C replaced by T.
Protein change: p.Val134=; no amino-acid change (valine 134 retained).
Molecular consequence: synonymous variant.
Genome position (GRCh38, 1-based): chr7:128,254,661, C>T. VCF-style: chr7-128254661-C-T. GRCh37 (hg19) VCF-style: chr7-127894714-C-T.
Identifiers: ClinVar variation 4988951 (VCV004988951.1).
Genomic context (GRCh38, chr7:128,254,661, plus strand): 5'-TAAGAGCTGCCACTTGCCCTGGGCCAGTGGCCTGGAGACCTTGGACAGCCTGGGGGGTGT[C>T]CTGGAAGCTTCAGGCTACTCCACAGAGGTGGTGGCCCTGAGCAGGCTGCAGGGGTCTCTG-3'
Protein context (NP_000221.1, residues 124-144): GLETLDSLGG[Val134=]LEASGYSTEV